The following is an entry in ClinVar:

NM_173551.5(ANKS6):c.1429C>A (p.Arg477Ser)

Gene: ANKS6 (ankyrin repeat and sterile alpha motif domain containing 6; minus strand). Cytogenetic location: 9q22.33.
Variant type: single nucleotide variant.
Coding change: c.1429C>A on transcript NM_173551.5 (MANE Select); coding-DNA position 1429, C replaced by A.
Protein change: p.Arg477Ser; replaces arginine 477 with serine.
Molecular consequence: missense variant.
Genome position (GRCh38, 1-based): chr9:98,778,364, G>T on the plus strand (C>A on the coding strand, the complement: ANKS6 is on the minus strand). VCF-style: chr9-98778364-G-T. GRCh37 (hg19) VCF-style: chr9-101540646-G-T.
Other names: c.1429C>A (NM_173551.3, NM_173551.4); short protein forms R477S.
Identifiers: ClinVar variation 1384489 (VCV001384489.9), dbSNP rs770883667, ClinGen allele CA5153497.

ClinVar aggregate classification (germline): Uncertain significance. Review status: criteria provided, multiple submitters, no conflicts (2 of 4 stars). 4 submissions from 4 submitters: Uncertain significance (4). Last evaluated 2026-04-21.

Conditions:
Inborn genetic diseases. Identifiers: MedGen C0950123, MeSH D030342.
ANKS6-related disorder. Also called: ANKS6-related condition.
Nephronophthisis 16 (NPHP16). Identifiers: Orphanet 655, MedGen C3809320, MONDO:0014158, OMIM 615382.

Allele frequency attached by ClinVar (database versions not stated): gnomAD 0.00001 and 0.00005; TOPMed 0.00002.
gnomAD v4.1: 104 of 1,614,018 alleles (0.0064%); highest among the groups gnomAD compares: South Asian, 0.11%; 1 homozygote.

Submissions (4):

PreventionGenetics, part of Exact Sciences
Classification: Uncertain significance for ANKS6-related condition. Last evaluated: 2026-04-21. Review status: criteria provided, single submitter. Criteria: ACMG Guidelines, 2015. Collection method: clinical testing. Allele origin: germline.
Comment: The ANKS6 c.1429C>A variant is predicted to result in the amino acid substitution p.Arg477Ser. To our knowledge, this variant has not been reported in the literature. This variant is reported in 0.085% of alleles in individuals of South Asian descent in gnomAD, which may be too frequent to be a primary cause of disease. Although we suspect that this variant may be benign, at this time, the clinical significance of this variant is uncertain due to the absence of conclusive functional and genetic evidence.

Ambry Genetics
Classification: Uncertain significance for Inborn genetic diseases. Last evaluated: 2025-09-01. Review status: criteria provided, single submitter. Criteria: Ambry Variant Classification Scheme 2023. Collection method: clinical testing. Allele origin: germline.

Labcorp Genetics (formerly Invitae), Labcorp
Classification: Uncertain significance for Nephronophthisis 16. Last evaluated: 2022-08-16. Review status: criteria provided, single submitter. Criteria: Invitae Variant Classification Sherloc (09022015). Collection method: clinical testing. Allele origin: germline.
Comment: This sequence change replaces arginine, which is basic and polar, with serine, which is neutral and polar, at codon 477 of the ANKS6 protein (p.Arg477Ser). This variant is present in population databases (rs770883667, gnomAD 0.08%). This variant has not been reported in the literature in individuals affected with ANKS6-related conditions. ClinVar contains an entry for this variant (Variation ID: 1384489). Algorithms developed to predict the effect of missense changes on protein structure and function (SIFT, PolyPhen-2, Align-GVGD) all suggest that this variant is likely to be tolerated. In summary, the available evidence is currently insufficient to determine the role of this variant in disease. Therefore, it has been classified as a Variant of Uncertain Significance.

Fulgent Genetics
Classification: Uncertain significance for Nephronophthisis 16. Last evaluated: 2022-02-03. Review status: criteria provided, single submitter. Criteria: ACMG Guidelines, 2015. Collection method: clinical testing. Allele origin: unknown.